The following is an entry in ClinVar:

ClinVar aggregate classification (germline): Uncertain significance (1 of 4 stars; one submission).

Conditions:
Amyotrophic lateral sclerosis type 15. Also called: AMYOTROPHIC LATERAL SCLEROSIS 15 WITH FRONTOTEMPORAL DEMENTIA. Identifiers: Orphanet 803, MedGen C3275459, MONDO:0010459, OMIM 300857.

gnomAD v4.1: 1 of 1,211,188 alleles (0.000083%); highest among the groups gnomAD compares: Non-Finnish European, 0.00011%; no homozygotes.

Submission:

Labcorp Genetics (formerly Invitae), Labcorp
Classification: Uncertain significance for Amyotrophic lateral sclerosis type 15. Last evaluated: 2024-02-01. Review status: criteria provided, single submitter. Criteria: Invitae Variant Classification Sherloc (09022015). Collection method: clinical testing. Allele origin: germline.
Comment: This sequence change replaces serine, which is neutral and polar, with glycine, which is neutral and non-polar, at codon 347 of the UBQLN2 protein (p.Ser347Gly). This variant is not present in population databases (gnomAD no frequency). This variant has not been reported in the literature in individuals affected with UBQLN2-related conditions. Advanced modeling of protein sequence and biophysical properties (such as structural, functional, and spatial information, amino acid conservation, physicochemical variation, residue mobility, and thermodynamic stability) performed at Invitae indicates that this missense variant is not expected to disrupt UBQLN2 protein function with a negative predictive value of 80%. In summary, the available evidence is currently insufficient to determine the role of this variant in disease. Therefore, it has been classified as a Variant of Uncertain Significance.

NM_013444.4(UBQLN2):c.1039A>G (p.Ser347Gly)

Gene: UBQLN2 (ubiquilin 2; plus strand). Cytogenetic location: Xp11.21.
Variant type: single nucleotide variant.
Coding change: c.1039A>G on transcript NM_013444.4 (MANE Select); coding-DNA position 1039, A replaced by G.
Protein change: p.Ser347Gly; replaces serine 347 with glycine.
Molecular consequence: missense variant.
Genome position (GRCh38, 1-based): chrX:56,564,912, A>G. VCF-style: chrX-56564912-A-G. GRCh37 (hg19) VCF-style: chrX-56591345-A-G.
Other names: short protein forms S347G.
Identifiers: ClinVar variation 3708063 (VCV003708063.2).